The following is an entry in ClinVar:

ClinVar aggregate classification (germline): Uncertain significance (1 of 4 stars; one submission).

Submission:

Ambry Genetics
Classification: Uncertain significance. Last evaluated: 2022-03-24. Review status: criteria provided, single submitter. Criteria: Ambry Variant Classification Scheme 2023. Collection method: clinical testing. Allele origin: germline.
Comment: The p.L1104S variant (also known as c.3311T>C), located in coding exon 28 of the PRKDC gene, results from a T to C substitution at nucleotide position 3311. The leucine at codon 1104 is replaced by serine, an amino acid with dissimilar properties. This amino acid position is conserved. In addition, this alteration is predicted to be deleterious by in silico analysis. Since supporting evidence is limited at this time, the clinical significance of this alteration remains unclear.

NM_006904.7(PRKDC):c.3311T>C (p.Leu1104Ser)

Gene: PRKDC (protein kinase, DNA-activated, catalytic subunit; minus strand). Cytogenetic location: 8q11.21.
Variant type: single nucleotide variant.
Coding change: c.3311T>C on transcript NM_006904.7 (MANE Select); coding-DNA position 3311, T replaced by C.
Protein change: p.Leu1104Ser; replaces leucine 1104 with serine.
Molecular consequence: missense variant.
Genome position (GRCh38, 1-based): chr8:47,900,426, A>G on the plus strand (T>C on the coding strand, the complement: PRKDC is on the minus strand). VCF-style: chr8-47900426-A-G. GRCh37 (hg19) VCF-style: chr8-48812986-A-G.
Other names: c.3311T>C, p.Leu1104Ser (NM_001081640.2); short protein forms L1104S.
Identifiers: ClinVar variation 1730098 (VCV001730098.2), dbSNP rs2551875236, ClinGen allele CA371155701.
Genomic context (GRCh38, chr8:47,900,426, plus strand): 5'-AACGTACCTAAGGACTTCTCATCTGCATGTGCTAAGGCCAGACTCTCCATGTATATCACC[A>G]AGGCTTCAAACACAAACTGTTCCACCAGAGACTCTTCTTCCCTGTAAAATAAAGAATAGG-3'
Protein context (NP_008835.5, residues 1094-1114): SLVEQFVFEA[Leu1104Ser]VIYMESLALA